The following is an entry in ClinVar:

NM_021615.5(CHST6):c.521A>G (p.Lys174Arg)

Gene: CHST6 (carbohydrate sulfotransferase 6; minus strand). Cytogenetic location: 16q23.1.
Variant type: single nucleotide variant.
Coding change: c.521A>G on transcript NM_021615.5 (MANE Select); coding-DNA position 521, A replaced by G.
Protein change: p.Lys174Arg; replaces lysine 174 with arginine.
Molecular consequence: missense variant.
Genome position (GRCh38, 1-based): chr16:75,479,308, T>C on the plus strand (A>G on the coding strand, the complement: CHST6 is on the minus strand). VCF-style: chr16-75479308-T-C. GRCh37 (hg19) VCF-style: chr16-75513206-T-C.
Other names: short protein forms K174R.
Identifiers: ClinVar variation 5071 (VCV000005071.5), dbSNP rs28937877, ClinGen allele CA250518.

ClinVar aggregate classification (germline): Pathogenic. Review status: criteria provided, single submitter (1 of 4 stars). 2 submissions from 2 submitters: Pathogenic (1). 1 of the submissions does not count toward it. Last evaluated 2017-04-27.

Conditions:
Macular corneal dystrophy (MCD). Also called: GROENOUW TYPE II CORNEAL DYSTROPHY; Macular corneal dystrophy Type I. Identifiers: Orphanet 98969, MedGen C1636149, MONDO:0009020, OMIM 217800.

Allele frequency attached by ClinVar (database versions not stated): gnomAD exomes 0.00001.

Submissions (2):

Illumina Laboratory Services, Illumina
Classification: Pathogenic for Macular corneal dystrophy. Last evaluated: 2017-04-27. Review status: criteria provided, single submitter. Criteria: ICSL Variant Classification Criteria 09 May 2019. Collection method: clinical testing. Allele origin: germline.
Comment: The CHST6 c.521A>G (p.Lys174Arg) missense variant has been reported in two studies in which it is found in a total of four patients with macular corneal dystrophy, including in three in a homozygous state and in one in a compound heterozygous state with a second missense variant (Akama et al. 2000; Park et al. 2015). The p.Lys174Arg variant was absent from 162 control chromosomes and was not found in the 1000 Genomes Project, the Exome Sequencing Project, or the Exome Aggregation Consortium in a region of good coverage, so is presumed to be rare. The Lys174 residue is highly conserved amongst sulfotransferases. Functional studies in HeLa cells demonstrated that the p.Lys174Arg variant resulted in a loss of enzyme activity and a failure of the CHST6 protein to produce highly sulphated keratin sulfate, which would result in the accumulation of non-sulfated keratin sulfate within the keratocytes and corneal epithelium, which is characteristic of macular corneal dystrophy (Akama et al. 2001). Based on the evidence, the p.Lys174Arg variant is classified as pathogenic for macular corneal dystrophy. This variant was observed by ICSL as part of a predisposition screen in an ostensibly healthy population.

OMIM
Classification: Pathogenic for MACULAR CORNEAL DYSTROPHY, TYPE I. Last evaluated: 2000-10-01. Review status: no assertion criteria provided. Collection method: literature only. Allele origin: germline. Not counted in ClinVar's aggregate classification.

Literature cited by the submitters: PubMed 26604660 (cited by Illumina Laboratory Services, Illumina); PubMed 11017086 (cited by Illumina Laboratory Services, Illumina and OMIM); PubMed 11278593 (cited by Illumina Laboratory Services, Illumina).